The following is an entry in ClinVar:

ClinVar aggregate classification (germline): Conflicting classifications of pathogenicity. Review status: criteria provided, conflicting classifications (1 of 4 stars). 3 submissions from 3 submitters: Uncertain significance (1); Likely benign (1). 1 of the submissions does not count toward it. Last evaluated 2025-08-21.

Conditions:
PPP2R5D-related disorder. Also called: PPP2R5D-related condition.

Allele frequency attached by ClinVar (database versions not stated): ExAC 0.00003; gnomAD 0.00003; gnomAD exomes 0.00003; TOPMed 0.00003; ESP Exome Variant Server 0.00015.
gnomAD v4.1: 40 of 1,613,968 alleles (0.0025%); highest among the groups gnomAD compares: African/African-American, 0.015%; no homozygotes.

Submissions (3):

Labcorp Genetics (formerly Invitae), Labcorp
Classification: Uncertain significance. Last evaluated: 2025-08-21. Review status: criteria provided, single submitter. Criteria: Invitae Variant Classification Sherloc (09022015). Collection method: clinical testing. Allele origin: germline.
Comment: This sequence change replaces threonine, which is neutral and polar, with methionine, which is neutral and non-polar, at codon 63 of the PPP2R5D protein (p.Thr63Met). This variant is present in population databases (rs370244516, gnomAD 0.006%). This variant has not been reported in the literature in individuals affected with PPP2R5D-related conditions. ClinVar contains an entry for this variant (Variation ID: 1503277). An algorithm developed to predict the effect of missense changes on protein structure and function (PolyPhen-2) suggests that this variant is likely to be tolerated. In summary, the available evidence is currently insufficient to determine the role of this variant in disease. Therefore, it has been classified as a Variant of Uncertain Significance.

CeGaT Center for Human Genetics Tuebingen
Classification: Likely benign. Last evaluated: 2024-09-01. Review status: criteria provided, single submitter. Criteria: CeGaT Center For Human Genetics Tuebingen Variant Classification Criteria Version 2. Collection method: clinical testing. Allele origin: germline. Affected: yes. Observed: 1 variant allele.
Comment: PPP2R5D: PP2, BS2

PreventionGenetics, part of Exact Sciences
Classification: Likely benign for PPP2R5D-related condition. Last evaluated: 2024-01-12. Review status: no assertion criteria provided. Collection method: clinical testing. Allele origin: germline. Not counted in ClinVar's aggregate classification.
Comment: This variant is classified as likely benign based on ACMG/AMP sequence variant interpretation guidelines (Richards et al. 2015 PMID: 25741868, with internal and published modifications).

NM_006245.4(PPP2R5D):c.188C>T (p.Thr63Met)

Gene: PPP2R5D (protein phosphatase 2 regulatory subunit B'delta; plus strand). Cytogenetic location: 6p21.1.
Variant type: single nucleotide variant.
Coding change: c.188C>T on transcript NM_006245.4 (MANE Select); coding-DNA position 188, C replaced by T.
Protein change: p.Thr63Met; replaces threonine 63 with methionine.
Molecular consequence: missense variant. On other transcripts: 5 prime UTR variant (1), intron variant (1).
Genome position (GRCh38, 1-based): chr6:43,006,545, C>T. VCF-style: chr6-43006545-C-T. GRCh37 (hg19) VCF-style: chr6-42974283-C-T.
Other names: c.188C>T (NM_006245.3); c.-266C>T (NM_001270476.2); c.188C>T, p.Thr63Met (NM_180976.3); c.28-389C>T (NM_180977.3); short protein forms T63M.
Identifiers: ClinVar variation 1503277 (VCV001503277.22), dbSNP rs370244516, ClinGen allele CA3811770.